The following is an entry in ClinVar:

NM_006393.3(NEBL):c.1008+14C>T

Gene: NEBL (nebulette; minus strand). Cytogenetic location: 10p12.31.
Variant type: single nucleotide variant.
Coding change: c.1008+14C>T on transcript NM_006393.3 (MANE Select); 14 bases into the intron after coding-DNA position 1008, C replaced by T.
Molecular consequence: intron variant.
Genome position (GRCh38, 1-based): chr10:20,852,531, G>A on the plus strand (C>T on the coding strand, the complement: NEBL is on the minus strand). VCF-style: chr10-20852531-G-A. GRCh37 (hg19) VCF-style: chr10-21141460-G-A.
Other names: c.250-39591C>T (NM_001377326.1, NM_001377327.1, NM_001377328.1); c.358-39591C>T (NM_213569.2, NM_001173484.2, NM_001377322.1); c.301-39591C>T (NM_001377324.1); c.292-39591C>T (NM_001377325.1); c.310-39591C>T (NM_001377323.1).
Identifiers: ClinVar variation 508178 (VCV000508178.7), dbSNP rs369037243, ClinGen allele CA5433016.

ClinVar aggregate classification (germline): Benign/Likely benign. Review status: criteria provided, multiple submitters, no conflicts (2 of 4 stars). 3 submissions from 3 submitters: Benign (1); Likely benign (2). Last evaluated 2025-09-11.

Conditions:
Primary dilated cardiomyopathy (DCM). Also called: Dilated Cardiomyopathy. Identifiers: Orphanet 217604, MedGen C0007193, MeSH D002311, MONDO:0005021, HP:0001644. Inheritance: Various modes of inheritance.

Allele frequency attached by ClinVar (database versions not stated): gnomAD exomes 0.00005; gnomAD 0.00011 and 0.00012; TOPMed 0.00014; ESP Exome Variant Server 0.00015.
gnomAD v4.1: 53 of 1,591,606 alleles (0.0033%); highest among the groups gnomAD compares: African/African-American, 0.031%; no homozygotes.

Submissions (3):

Labcorp Genetics (formerly Invitae), Labcorp
Classification: Likely benign for Primary dilated cardiomyopathy. Last evaluated: 2025-09-11. Review status: criteria provided, single submitter. Criteria: Invitae Variant Classification Sherloc (09022015). Collection method: clinical testing. Allele origin: germline.

Women's Health and Genetics/Laboratory Corporation of America, LabCorp
Classification: Benign. Last evaluated: 2024-02-26. Review status: criteria provided, single submitter. Criteria: LabCorp Variant Classification Summary - May 2015. Collection method: clinical testing. Allele origin: germline.

GeneDx
Classification: Likely benign. Last evaluated: 2017-03-16. Review status: criteria provided, single submitter. Criteria: GeneDx Variant Classification (06012015). Collection method: clinical testing. Allele origin: germline. Affected: yes.
Comment: This variant is considered likely benign or benign based on one or more of the following criteria: it is a conservative change, it occurs at a poorly conserved position in the protein, it is predicted to be benign by multiple in silico algorithms, and/or has population frequency not consistent with disease.